The following is an entry in ClinVar:

ClinVar aggregate classification (germline): Benign. Review status: criteria provided, multiple submitters, no conflicts (2 of 4 stars). 2 submissions from 2 submitters: Benign (2). Last evaluated 2018-01-12.

Conditions:
Growth delay due to insulin-like growth factor type 1 deficiency (IGF1D). Also called: GROWTH RETARDATION WITH SENSORINEURAL DEAFNESS AND MENTAL RETARDATION; IGF1 DEFICIENCY. Identifiers: Orphanet 73272, MedGen C1837475, MONDO:0012110, OMIM 608747.

Allele frequency attached by ClinVar (database versions not stated): 1000 Genomes Project 0.42692; 1000 Genomes Project 30x 0.43098; TOPMed 0.44633; gnomAD 0.44645 and 0.45174.

Submissions (2):

Illumina Laboratory Services, Illumina
Classification: Benign for Growth delay due to insulin-like growth factor type 1 deficiency. Last evaluated: 2018-01-12. Review status: criteria provided, single submitter. Criteria: ICSL Variant Classification Criteria 13 December 2019. Collection method: clinical testing. Allele origin: germline.
Comment: This variant was observed in the ICSL laboratory as part of a predisposition screen in an ostensibly healthy population. It had not been previously curated by ICSL or reported in the Human Gene Mutation Database (HGMD: prior to June 1st, 2018), and was therefore a candidate for classification through an automated scoring system. Utilizing variant allele frequency, disease prevalence and penetrance estimates, and inheritance mode, an automated score was calculated to assess if this variant is too frequent to cause the disease. Based on the score and internal cut-off values, a variant classified as benign is not then subjected to further curation. The score for this variant resulted in a classification of benign for this disease.

Breakthrough Genomics
Classification: Benign. Review status: criteria provided, single submitter. Criteria: ACMG Guidelines, 2015. Collection method: not provided. Allele origin: germline. Inheritance: Autosomal recessive inheritance. Affected: yes.

NM_000618.5(IGF1):c.*2716G>A

Genes: LINC02456 (long intergenic non-protein coding RNA 2456; plus strand), IGF1 (insulin like growth factor 1; minus strand). Cytogenetic location: 12q23.2.
Variant type: single nucleotide variant.
Coding change: c.*2716G>A on transcript NM_000618.5 (MANE Select); 2716 bases downstream of the stop codon, G replaced by A.
Molecular consequence: 3 prime UTR variant.
Genome position (GRCh38, 1-based): chr12:102,399,791, C>T on the plus strand (G>A on the coding strand, the complement: IGF1 is on the minus strand). VCF-style: chr12-102399791-C-T. GRCh37 (hg19) VCF-style: chr12-102793569-C-T.
Other names: c.*2750G>A (NM_001111283.3); c.*2716G>A (NM_001111284.2).
Identifiers: ClinVar variation 306880 (VCV000306880.6), dbSNP rs6214, ClinGen allele CA10640701.